The following is an entry in ClinVar:

ClinVar aggregate classification (germline): Uncertain significance (1 of 4 stars; one submission).

Submission:

Labcorp Genetics (formerly Invitae), Labcorp
Classification: Uncertain significance. Last evaluated: 2022-02-25. Review status: criteria provided, single submitter. Criteria: Invitae Variant Classification Sherloc (09022015). Collection method: clinical testing. Allele origin: germline.
Comment: In summary, the available evidence is currently insufficient to determine the role of this variant in disease. Therefore, it has been classified as a Variant of Uncertain Significance. Algorithms developed to predict the effect of missense changes on protein structure and function are either unavailable or do not agree on the potential impact of this missense change (SIFT: "Deleterious"; PolyPhen-2: "Possibly Damaging"; Align-GVGD: "Class C0"). This variant has not been reported in the literature in individuals affected with WHRN-related conditions. This variant is not present in population databases (gnomAD no frequency). This sequence change replaces aspartic acid, which is acidic and polar, with tyrosine, which is neutral and polar, at codon 593 of the WHRN protein (p.Asp593Tyr).

NM_015404.4(WHRN):c.1777G>T (p.Asp593Tyr)

Gene: WHRN (whirlin; minus strand). Cytogenetic location: 9q32.
Variant type: single nucleotide variant.
Coding change: c.1777G>T on transcript NM_015404.4 (MANE Select); coding-DNA position 1777, G replaced by T.
Protein change: p.Asp593Tyr; replaces aspartic acid 593 with tyrosine.
Molecular consequence: missense variant.
Genome position (GRCh38, 1-based): chr9:114,406,814, C>A on the plus strand (G>T on the coding strand, the complement: WHRN is on the minus strand). VCF-style: chr9-114406814-C-A. GRCh37 (hg19) VCF-style: chr9-117169094-C-A.
Other names: c.628G>T, p.Asp210Tyr (NM_001083885.3); c.1777G>T, p.Asp593Tyr (NM_001173425.2); c.724G>T, p.Asp242Tyr (NM_001346890.1); short protein forms D242Y, D210Y, D593Y.
Identifiers: ClinVar variation 2103240 (VCV002103240.4), dbSNP rs778822769, ClinGen allele CA374620935.